The following is an entry in ClinVar:

ClinVar aggregate classification (germline): Conflicting classifications of pathogenicity. Review status: criteria provided, conflicting classifications (1 of 4 stars). 4 submissions from 4 submitters: Uncertain significance (3); Likely benign (1). Last evaluated 2024-10-30.

Conditions:
Inborn genetic diseases. Identifiers: MedGen C0950123, MeSH D030342.
Neuropathy, hereditary sensory, type 2C. Also called: Hereditary sensory and autonomic neuropathy type IIC; KIF1A-Related HSAN2 (HSAN2C). Identifiers: Orphanet 970, MedGen C3280168, MONDO:0013634, OMIM 614213.
Intellectual disability, autosomal dominant 9 (NESCAVS). Also called: NESCAV SYNDROME; KIF1A-Related Neurodevelopmental Disorder. Identifiers: Orphanet 662367, MedGen C5393830, MONDO:0013656, OMIM 614255.
Hereditary spastic paraplegia 30. Identifiers: Orphanet 101010, MedGen C5235139, MONDO:0012476.

Allele frequency attached by ClinVar (database versions not stated): ExAC 0.00001; gnomAD 0.00001.
gnomAD v4.1: 5 of 1,613,470 alleles (0.00031%); highest among the groups gnomAD compares: Non-Finnish European, 0.00034%; no homozygotes.

Submissions (4):

Labcorp Genetics (formerly Invitae), Labcorp
Classification: Likely benign for Hereditary spastic paraplegia 30; Neuropathy, hereditary sensory, type 2C; Intellectual disability, autosomal dominant 9. Last evaluated: 2024-10-30. Review status: criteria provided, single submitter. Criteria: Invitae Variant Classification Sherloc (09022015). Collection method: clinical testing. Allele origin: germline.

Mayo Clinic Laboratories, Mayo Clinic
Classification: Uncertain significance. Last evaluated: 2024-07-10. Review status: criteria provided, single submitter. Criteria: ACMG Guidelines, 2015. Collection method: clinical testing. Allele origin: germline. Observed: 1 variant allele.

Blueprint Genetics
Classification: Uncertain significance. Last evaluated: 2022-10-26. Review status: criteria provided, single submitter. Criteria: ACMG Guidelines, 2015. Collection method: clinical testing. Allele origin: germline.

Ambry Genetics
Classification: Uncertain significance for Inborn genetic diseases. Last evaluated: 2021-07-16. Review status: criteria provided, single submitter. Criteria: Ambry Variant Classification Scheme 2023. Collection method: clinical testing. Allele origin: germline.
Comment: The p.P412S variant (also known as c.1234C>T), located in coding exon 14 of the KIF1A gene, results from a C to T substitution at nucleotide position 1234. The proline at codon 412 is replaced by serine, an amino acid with similar properties. This amino acid position is highly conserved in available vertebrate species. In addition, the in silico prediction for this alteration is inconclusive. Since supporting evidence is limited at this time, the clinical significance of this alteration remains unclear.

NM_001244008.2(KIF1A):c.1234C>T (p.Pro412Ser)

Gene: KIF1A (kinesin family member 1A; minus strand). Cytogenetic location: 2q37.3.
Variant type: single nucleotide variant.
Coding change: c.1234C>T on transcript NM_001244008.2 (MANE Select); coding-DNA position 1234, C replaced by T.
Protein change: p.Pro412Ser; replaces proline 412 with serine.
Molecular consequence: missense variant.
Genome position (GRCh38, 1-based): chr2:240,771,078, G>A on the plus strand (C>T on the coding strand, the complement: KIF1A is on the minus strand). VCF-style: chr2-240771078-G-A. GRCh37 (hg19) VCF-style: chr2-241710495-G-A.
Other names: p.Pro403Ser; c.1234C>T, p.Pro412Ser (NM_001320705.2, NM_001330289.2, NM_001379638.1); c.1309C>T, p.Pro437Ser (NM_001330290.2, NM_001379631.1, NM_001379634.1 and 2 more transcripts); c.1207C>T, p.Pro403Ser (NM_001379632.1, NM_001379633.1, NM_001379636.1 and 11 more transcripts); c.1282C>T, p.Pro428Ser (NM_001379637.1, NM_001379648.1); short protein forms P428S, P437S, P403S, P412S.
Identifiers: ClinVar variation 1756423 (VCV001756423.9), dbSNP rs763360043, ClinGen allele CA2208471.